The following is an entry in ClinVar:

NM_000478.6(ALPL):c.565G>A (p.Asp189Asn)

Gene: ALPL (alkaline phosphatase, biomineralization associated; plus strand). Cytogenetic location: 1p36.12.
Variant type: single nucleotide variant.
Coding change: c.565G>A on transcript NM_000478.6 (MANE Select); coding-DNA position 565, G replaced by A.
Protein change: p.Asp189Asn; replaces aspartic acid 189 with asparagine.
Molecular consequence: missense variant.
Genome position (GRCh38, 1-based): chr1:21,564,133, G>A. VCF-style: chr1-21564133-G-A. GRCh37 (hg19) VCF-style: chr1-21890626-G-A.
Other names: c.400G>A, p.Asp134Asn (NM_001127501.4); c.334G>A, p.Asp112Asn (NM_001177520.3); c.565G>A, p.Asp189Asn (NM_001369803.2, NM_001369804.2, NM_001369805.2); c.565G>A (NM_000478.5); short protein forms D189N, D112N, D134N.
Identifiers: ClinVar variation 1911558 (VCV001911558.4), dbSNP rs2545303964, ClinGen allele CA338878062.
Genomic context (GRCh38, chr1:21,564,133, plus strand): 5'-GTGAACCATGCCACCCCCAGCGCCGCCTACGCCCACTCGGCTGACCGGGACTGGTACTCA[G>A]ACAACGAGATGCCCCCTGAGGCCTTGAGCCAGGGCTGTAAGGACATCGCCTACCAGCTCA-3'
Protein context (NP_000469.3, residues 179-199): AHSADRDWYS[Asp189Asn]NEMPPEALSQ

ClinVar aggregate classification (germline): Conflicting classifications of pathogenicity. Review status: criteria provided, conflicting classifications (1 of 4 stars). 3 submissions from 3 submitters: Likely pathogenic (1); Uncertain significance (2). Last evaluated 2025-08-29.

Conditions:
Hypophosphatasia. Also called: Phosphoethanol-aminuria. Identifiers: Orphanet 436, MedGen C0020630, MeSH D007014, MONDO:0018570.

Allele frequency attached by ClinVar (database versions not stated): gnomAD exomes below 0.00001.

Submissions (3):

Genomenon, Inc
Classification: Likely pathogenic for Hypophosphatasia. Last evaluated: 2025-08-29. Review status: criteria provided, single submitter. Criteria: Genomenon Sequence Variant Interpretation Standards. Collection method: curation. Allele origin: germline. Affected: yes.
Comment: ALPL c.565G>A is a missense variant that changes the amino acid at residue 189 from Aspartic acid to Asparagine. This variant has been observed in at least one proband affected with hypophosphatasia (PMID:38884565). At least one functional study has demonstrated a substantial alteration in protein function relative to the wild-type (PMID:32160374). It is absent or not present at a significant frequency in gnomAD. In silico models agree that this variant is possibly or probably damaging. In conclusion, we classify ALPL p.Asp189Asn (c.565G>A) as a likely pathogenic variant.

Women's Health and Genetics/Laboratory Corporation of America, LabCorp
Classification: Uncertain significance. Last evaluated: 2023-04-24. Review status: criteria provided, single submitter. Criteria: LabCorp Variant Classification Summary - May 2015. Collection method: clinical testing. Allele origin: germline.
Comment: Variant summary: ALPL c.565G>A (p.Asp189Asn) results in a conservative amino acid change in the encoded protein sequence. Four of five in-silico tools predict a damaging effect of the variant on protein function. The variant was absent in 251220 control chromosomes. c.565G>A has been reported in the literature in individuals affected with Hypophosphatasia, Autosomal Recessive (Del Angel_2020 and Xiao_2022). These reports do not provide unequivocal conclusions about association of the variant with Hypophosphatasia, Autosomal Recessive. At least one publication reports experimental evidence indicating the variant has an impact on protein function (Del Angel_2020). Another variant altering the same amino acid (p.Asp189Glu) was observed in a homozygous perinatal lethal case(Del Angel_2020), suggesting an important role for the variant. However, the available evidence is not sufficient at this time to determine a definitive role for this variant in disease. One clinical diagnostic laboratory has submitted clinical-significance assessments for this variant to ClinVar after 2014 and classified the variant as uncertain significance. Based on the evidence outlined above, the variant was classified as VUS-possibly pathogenic.

Labcorp Genetics (formerly Invitae), Labcorp
Classification: Uncertain significance. Last evaluated: 2022-02-13. Review status: criteria provided, single submitter. Criteria: Invitae Variant Classification Sherloc (09022015). Collection method: clinical testing. Allele origin: germline.
Comment: This sequence change replaces aspartic acid, which is acidic and polar, with asparagine, which is neutral and polar, at codon 189 of the ALPL protein (p.Asp189Asn). This variant is not present in population databases (gnomAD no frequency). This missense change has been observed in individual(s) with hypophosphatasia (PMID: 32160374). Advanced modeling of protein sequence and biophysical properties (such as structural, functional, and spatial information, amino acid conservation, physicochemical variation, residue mobility, and thermodynamic stability) performed at Invitae indicates that this missense variant is expected to disrupt ALPL protein function. Experimental studies have shown that this missense change affects ALPL function (PMID: 32160374). This variant disrupts the p.Asp189 amino acid residue in ALPL. Other variant(s) that disrupt this residue have been observed in individuals with ALPL-related conditions (PMID: 12815606), which suggests that this may be a clinically significant amino acid residue. In summary, the available evidence is currently insufficient to determine the role of this variant in disease. Therefore, it has been classified as a Variant of Uncertain Significance.

Literature cited by the submitters: PubMed 38884565 (cited by Genomenon, Inc); PubMed 32160374 (cited by 3 submitters); PubMed 35320273 (cited by Women's Health and Genetics/Laboratory Corporation of America, LabCorp); PubMed 12815606 (cited by Labcorp Genetics (formerly Invitae), Labcorp).